The following is an entry in ClinVar:

NM_020806.5(GPHN):c.2054C>G (p.Pro685Arg)

Genes: GPHN (gephyrin; plus strand), LOC126861970 (MED14-independent group 3 enhancer GRCh37_chr14:67634697-67635896; plus strand). Cytogenetic location: 14q23.3.
Variant type: single nucleotide variant.
Coding change: c.2054C>G on transcript NM_020806.5 (MANE Select); coding-DNA position 2054, C replaced by G.
Protein change: p.Pro685Arg; replaces proline 685 with arginine.
Molecular consequence: missense variant.
Genome position (GRCh38, 1-based): chr14:67,169,011, C>G. VCF-style: chr14-67169011-C-G. GRCh37 (hg19) VCF-style: chr14-67635728-C-G.
Other names: c.1955C>G, p.Pro652Arg (NM_001024218.2); c.2114C>G, p.Pro705Arg (NM_001377514.1); c.2084C>G, p.Pro695Arg (NM_001377515.1); c.2075C>G, p.Pro692Arg (NM_001377516.1); c.2027C>G, p.Pro676Arg (NM_001377517.1); c.2012C>G, p.Pro671Arg (NM_001377518.1); c.1994C>G, p.Pro665Arg (NM_001377519.1); short protein forms P671R, P692R, P705R, P665R, P676R, P685R, P695R, P652R.
Identifiers: ClinVar variation 2829223 (VCV002829223.3), dbSNP rs867392207, ClinGen allele CA390122064.

ClinVar aggregate classification (germline): Uncertain significance (1 of 4 stars; one submission).

Conditions:
Sulfite oxidase deficiency due to molybdenum cofactor deficiency type C. Also called: Molybdenum cofactor deficiency, complementation group C; Molybdenum cofactor deficiency C. Identifiers: Orphanet 308400, Orphanet 833, MedGen C1854990, MONDO:0014212, OMIM 615501.

Submission:

Labcorp Genetics (formerly Invitae), Labcorp
Classification: Uncertain significance for Sulfite oxidase deficiency due to molybdenum cofactor deficiency type C. Last evaluated: 2023-01-16. Review status: criteria provided, single submitter. Criteria: Invitae Variant Classification Sherloc (09022015). Collection method: clinical testing. Allele origin: germline.
Comment: In summary, the available evidence is currently insufficient to determine the role of this variant in disease. Therefore, it has been classified as a Variant of Uncertain Significance. Advanced modeling of protein sequence and biophysical properties (such as structural, functional, and spatial information, amino acid conservation, physicochemical variation, residue mobility, and thermodynamic stability) performed at Invitae indicates that this missense variant is not expected to disrupt GPHN protein function. This variant has not been reported in the literature in individuals affected with GPHN-related conditions. This variant is not present in population databases (gnomAD no frequency). This sequence change replaces proline, which is neutral and non-polar, with arginine, which is basic and polar, at codon 685 of the GPHN protein (p.Pro685Arg).